The following is an entry in ClinVar:

NM_001122769.3(LCA5):c.149dup (p.Asn50fs)

Gene: LCA5 (lebercilin LCA5; minus strand). Cytogenetic location: 6q14.1.
Variant type: Duplication.
Coding change: c.149dup on transcript NM_001122769.3 (MANE Select); coding-DNA position 149, one base duplicated (A; older notation c.149dupA).
Protein change: p.Asn50fs; shifts the reading frame from asparagine 50.
Molecular consequence: frameshift variant.
Genome position (GRCh38, 1-based): chr6:79,518,746, T duplicated on the plus strand (A on the coding strand, the reverse complement: LCA5 is on the minus strand); the first of 6 consecutive T bases (chr6:79,518,746-79,518,751); duplicating any one gives the same sequence. VCF-style (leftmost placement, unchanged base first): chr6-79518745-A-AT. GRCh37 (hg19) VCF-style: chr6-80228462-A-AT.
Other names: c.149dup, p.Asn50fs (NM_181714.4); c.149dupA (NM_181714.3); short protein forms N50fs.
Identifiers: ClinVar variation 863636 (VCV000863636.9), dbSNP rs1766523611, ClinGen allele CA916082888.

ClinVar aggregate classification (germline): Pathogenic/Likely pathogenic. Review status: criteria provided, multiple submitters, no conflicts (2 of 4 stars). 2 submissions from 2 submitters: Pathogenic (1); Likely pathogenic (1). Last evaluated 2026-01-13.

Conditions:
Leber congenital amaurosis 5 (LCA5). Also called: Amaurosis congenita of Leber, type 5. Identifiers: Orphanet 65, MedGen C1858301, MONDO:0011473, OMIM 604537.

Submissions (2):

Natera, Inc.
Classification: Likely pathogenic for Leber congenital amaurosis type 5. Last evaluated: 2026-01-13. Review status: criteria provided, single submitter. Criteria: Natera Variant Classification Schema (03/2026). Collection method: clinical testing. Allele origin: germline.
Comment: The c.149dupA variant in LCA5 is a frameshift variant predicted to shift the reading frame beginning at codon 50 and leads to a stop codon 3 codons downstream. This variant is expected to result in nonsense mediated decay, truncation, or a dysfunctional protein product. This variant is rare in the general population with a frequency below the threshold expected for the associated phenotype(s). Given the available evidence, this variant is classified as Likely Pathogenic.

Labcorp Genetics (formerly Invitae), Labcorp
Classification: Pathogenic. Last evaluated: 2019-03-23. Review status: criteria provided, single submitter. Criteria: Invitae Variant Classification Sherloc (09022015). Collection method: clinical testing. Allele origin: germline.
Comment: Loss-of-function variants in LCA5 are known to be pathogenic (PMID: 17546029, 23946133). For these reasons, this variant has been classified as Pathogenic. This variant has not been reported in the literature in individuals with LCA5-related conditions. This variant is not present in population databases (ExAC no frequency). This sequence change creates a premature translational stop signal (p.Asn50Lysfs*3) in the LCA5 gene. It is expected to result in an absent or disrupted protein product.

Literature cited by the submitters: PubMed 17546029 (cited by Labcorp Genetics (formerly Invitae), Labcorp); PubMed 23946133 (cited by Labcorp Genetics (formerly Invitae), Labcorp).